The following is an entry in ClinVar:

NM_003982.4(SLC7A7):c.1150T>C (p.Tyr384His)

Gene: SLC7A7 (solute carrier family 7 member 7; minus strand). Cytogenetic location: 14q11.2.
Variant type: single nucleotide variant.
Coding change: c.1150T>C on transcript NM_003982.4 (MANE Select); coding-DNA position 1150, T replaced by C.
Protein change: p.Tyr384His; replaces tyrosine 384 with histidine.
Molecular consequence: missense variant.
Genome position (GRCh38, 1-based): chr14:22,774,449, A>G on the plus strand (T>C on the coding strand, the complement: SLC7A7 is on the minus strand). VCF-style: chr14-22774449-A-G. GRCh37 (hg19) VCF-style: chr14-23243658-A-G.
Other names: c.1150T>C, p.Tyr384His (NM_001126105.3, NM_001126106.4); short protein forms Y384H.
Identifiers: ClinVar variation 843979 (VCV000843979.7), dbSNP rs2038553835, ClinGen allele CA388922534.
Genomic context (GRCh38, chr14:22,774,449, plus strand): 5'-GCAGATAAAGCTGACCCACAATAGAAAGCCCCACAAAGAACCAGTAGCTGAAGCTGTAGT[A>G]GTTAATGAGCTGGAAGATGTCTTCCACGCACAAGTAGATCAATGCCATGATACCCTGTAA-3'
Protein context (NP_003973.3, residues 374-394): CVEDIFQLIN[Tyr384His]YSFSYWFFVG

ClinVar aggregate classification (germline): Uncertain significance (1 of 4 stars; one submission).

Conditions:
Lysinuric protein intolerance (LPI). Identifiers: Orphanet 470, MedGen C0268647, MONDO:0009109, OMIM 222700.

Submission:

Labcorp Genetics (formerly Invitae), Labcorp
Classification: Uncertain significance for Lysinuric protein intolerance. Last evaluated: 2021-08-31. Review status: criteria provided, single submitter. Criteria: Invitae Variant Classification Sherloc (09022015). Collection method: clinical testing. Allele origin: germline.
Comment: This sequence change replaces tyrosine with histidine at codon 384 of the SLC7A7 protein (p.Tyr384His). The tyrosine residue is highly conserved and there is a moderate physicochemical difference between tyrosine and histidine. This variant is not present in population databases (ExAC no frequency). This variant has not been reported in the literature in individuals affected with SLC7A7-related conditions. Algorithms developed to predict the effect of missense changes on protein structure and function (SIFT, PolyPhen-2, Align-GVGD) all suggest that this variant is likely to be disruptive. In summary, the available evidence is currently insufficient to determine the role of this variant in disease. Therefore, it has been classified as a Variant of Uncertain Significance.